The following is an entry in ClinVar:

ClinVar aggregate classification (germline): Benign. Review status: criteria provided, multiple submitters, no conflicts (2 of 4 stars). 12 submissions from 11 submitters: Benign (10). 2 of the submissions do not count toward it. Last evaluated 2026-02-04.

Conditions:
Hearing loss, autosomal recessive 110. Also called: DEAFNESS, AUTOSOMAL RECESSIVE 110. Identifiers: MedGen C4748162, MONDO:0054860, OMIM 618094.
Autosomal dominant nonsyndromic hearing loss 9. Identifiers: Orphanet 90635, MedGen C1832425, MONDO:0011058, OMIM 601369.

Allele frequency attached by ClinVar (database versions not stated): 1000 Genomes Project 30x 0.41131; 1000 Genomes Project 0.41134; TOPMed 0.50453; ESP Exome Variant Server 0.51199; gnomAD 0.51213 and 0.51720; ExAC 0.54915; gnomAD exomes 0.55797 and 0.60423.
gnomAD v4.1: 958,827 of 1,613,614 alleles (59%); highest among the groups gnomAD compares: Non-Finnish European, 64%; 295,272 homozygotes.

Submissions (12):

Labcorp Genetics (formerly Invitae), Labcorp
Classification: Benign. Last evaluated: 2026-02-04. Review status: criteria provided, single submitter. Criteria: Invitae Variant Classification Sherloc (09022015). Collection method: clinical testing. Allele origin: germline.

Genome-Nilou Lab
Classification: Benign for Hearing loss, autosomal recessive 110. Last evaluated: 2021-07-22. Review status: criteria provided, single submitter. Criteria: ACMG Guidelines, 2015. Collection method: clinical testing. Allele origin: germline. Affected: no.

Genome-Nilou Lab
Classification: Benign for Autosomal dominant nonsyndromic hearing loss 9. Last evaluated: 2021-07-22. Review status: criteria provided, single submitter. Criteria: ACMG Guidelines, 2015. Collection method: clinical testing. Allele origin: germline. Affected: no.

Mayo Clinic Laboratories, Mayo Clinic
Classification: Benign. Last evaluated: 2019-05-24. Review status: criteria provided, single submitter. Criteria: ACMG Guidelines, 2015. Collection method: clinical testing. Allele origin: germline. Observed: 128 variant alleles.

Illumina Laboratory Services, Illumina
Classification: Benign for Autosomal dominant nonsyndromic hearing loss 9. Last evaluated: 2018-01-12. Review status: criteria provided, single submitter. Criteria: ICSL Variant Classification Criteria 13 December 2019. Collection method: clinical testing. Allele origin: germline.
Comment: This variant was observed in the ICSL laboratory as part of a predisposition screen in an ostensibly healthy population. It had not been previously curated by ICSL or reported in the Human Gene Mutation Database (HGMD: prior to June 1st, 2018), and was therefore a candidate for classification through an automated scoring system. Utilizing variant allele frequency, disease prevalence and penetrance estimates, and inheritance mode, an automated score was calculated to assess if this variant is too frequent to cause the disease. Based on the score and internal cut-off values, a variant classified as benign is not then subjected to further curation. The score for this variant resulted in a classification of benign for this disease.

GeneDx
Classification: Benign. Last evaluated: 2017-05-09. Review status: criteria provided, single submitter. Criteria: GeneDx Variant Classification (06012015). Collection method: clinical testing. Allele origin: germline. Affected: yes.
Comment: This variant is considered likely benign or benign based on one or more of the following criteria: it is a conservative change, it occurs at a poorly conserved position in the protein, it is predicted to be benign by multiple in silico algorithms, and/or has population frequency not consistent with disease.

Clinical Genetics DNA and cytogenetics Diagnostics Lab, Erasmus MC, Erasmus Medical Center
Classification: Benign for Autosomal dominant nonsyndromic hearing loss 9. Last evaluated: 2015-09-21. Review status: criteria provided, single submitter. Criteria: ACGS Guidelines, 2013. Collection method: clinical testing. Allele origin: germline. Affected: yes. Study: VKGL Data-share Consensus.

Laboratory for Molecular Medicine, Mass General Brigham Personalized Medicine
Classification: Benign. Last evaluated: 2012-05-07. Review status: criteria provided, single submitter. Criteria: LMM Criteria. Collection method: clinical testing. Allele origin: germline. Observed: 828 variant alleles.
Comment: Thr352Ser in Exon 11 of COCH: This variant is not expected to have clinical sign ificance because it has been identified in 37.1% (2602/7020) of European America n chromosomes from a broad population by the NHLBI Exome Sequencing Project (dbSNP rs1045644).

Breakthrough Genomics
Classification: Benign. Review status: criteria provided, single submitter. Criteria: ACMG Guidelines, 2015. Collection method: not provided. Allele origin: germline. Inheritance: Autosomal recessive inheritance. Affected: yes.

PreventionGenetics, part of Exact Sciences
Classification: Benign. Review status: criteria provided, single submitter. Criteria: ACMG Guidelines, 2015. Collection method: clinical testing. Allele origin: germline.

Diagnostic Laboratory, Department of Genetics, University Medical Center Groningen
Classification: Benign for Autosomal dominant nonsyndromic hearing loss 9. Review status: no assertion criteria provided. Collection method: clinical testing. Allele origin: germline. Affected: yes. Study: VKGL Data-share Consensus. Not counted in ClinVar's aggregate classification.

Joint Genome Diagnostic Labs from Nijmegen and Maastricht, Radboudumc and MUMC+
Classification: Benign. Review status: no assertion criteria provided. Collection method: clinical testing. Allele origin: germline. Affected: yes. Study: VKGL Data-share Consensus. Not counted in ClinVar's aggregate classification.

NM_004086.3(COCH):c.1055C>G (p.Thr352Ser)

Genes: COCH (cochlin; plus strand), COCH-AS1 (COCH antisense RNA 1; minus strand). Cytogenetic location: 14q12.
Variant type: single nucleotide variant.
Coding change: c.1055C>G on transcript NM_004086.3 (MANE Select); coding-DNA position 1055, C replaced by G.
Protein change: p.Thr352Ser; replaces threonine 352 with serine.
Molecular consequence: missense variant. On other transcripts: non-coding transcript variant (1).
Genome position (GRCh38, 1-based): chr14:30,885,890, C>G. VCF-style: chr14-30885890-C-G. GRCh37 (hg19) VCF-style: chr14-31355096-C-G.
Other names: c.1055C>G, p.Thr352Ser (NM_001135058.2); c.1250C>G, p.Thr417Ser (NM_001347720.2); short protein forms T352S, T417S.
Identifiers: ClinVar variation 226525 (VCV000226525.23), dbSNP rs1045644, ClinGen allele CA7143257.
Genomic context (GRCh38, chr14:30,885,890, plus strand): 5'-ACATGCCCAACTGGTTTGGCACCACAAAATACGTAAAGCCTCTGGTACAGAAGCTGTGCA[C>G]TCATGAACAAATGATGTGCAGCAAGACCTGTTATAACTCAGTGAACATTGCCTTTCTAAT-3'
Protein context (NP_004077.1, residues 342-362): YVKPLVQKLC[Thr352Ser]HEQMMCSKTC